The following is an entry in ClinVar:

ClinVar aggregate classification (germline): Uncertain significance (1 of 4 stars; one submission).

Conditions:
Epileptic encephalopathy. Identifiers: MedGen C0543888, HP:0200134.

Allele frequency attached by ClinVar (database versions not stated): gnomAD 0.00001.
gnomAD v4.1: 2 of 1,612,474 alleles (0.00012%); highest among the groups gnomAD compares: Non-Finnish European, 0.00017%; no homozygotes.

Submission:

Labcorp Genetics (formerly Invitae), Labcorp
Classification: Uncertain significance for Epileptic encephalopathy. Last evaluated: 2022-06-29. Review status: criteria provided, single submitter. Criteria: Invitae Variant Classification Sherloc (09022015). Collection method: clinical testing. Allele origin: germline.
Comment: This variant has not been reported in the literature in individuals affected with FASN-related conditions. This sequence change replaces asparagine, which is neutral and polar, with threonine, which is neutral and polar, at codon 1447 of the FASN protein (p.Asn1447Thr). This variant is not present in population databases (gnomAD no frequency). Algorithms developed to predict the effect of missense changes on protein structure and function (SIFT, PolyPhen-2, Align-GVGD) all suggest that this variant is likely to be tolerated. In summary, the available evidence is currently insufficient to determine the role of this variant in disease. Therefore, it has been classified as a Variant of Uncertain Significance.

NM_004104.5(FASN):c.4340A>C (p.Asn1447Thr)

Gene: FASN (fatty acid synthase; minus strand). Cytogenetic location: 17q25.3.
Variant type: single nucleotide variant.
Coding change: c.4340A>C on transcript NM_004104.5 (MANE Select); coding-DNA position 4340, A replaced by C.
Protein change: p.Asn1447Thr; replaces asparagine 1447 with threonine.
Molecular consequence: missense variant.
Genome position (GRCh38, 1-based): chr17:82,085,104, T>G on the plus strand (A>C on the coding strand, the complement: FASN is on the minus strand). VCF-style: chr17-82085104-T-G. GRCh37 (hg19) VCF-style: chr17-80042980-T-G.
Other names: short protein forms N1447T.
Identifiers: ClinVar variation 1485892 (VCV001485892.8), dbSNP rs1392416942, ClinGen allele CA401547103.